The following is an entry in ClinVar:

ClinVar aggregate classification (germline): Uncertain significance. Review status: criteria provided, multiple submitters, no conflicts (2 of 4 stars). 4 submissions from 4 submitters: Uncertain significance (3). 1 of the submissions does not count toward it. Last evaluated 2024-05-21.

Conditions:
Inborn genetic diseases. Identifiers: MedGen C0950123, MeSH D030342.
Hermansky-Pudlak syndrome (HPS). Also called: ALBINISM WITH HEMORRHAGIC DIATHESIS AND PIGMENTED RETICULOENDOTHELIAL CELLS. Identifiers: Orphanet 79430, MedGen C0079504, MONDO:0019312.
Hermansky-Pudlak syndrome 1 (HPS1). Also called: DELTA STORAGE POOL DISEASE. Identifiers: Orphanet 231500, Orphanet 79430, MedGen C2931875, MONDO:0008748, OMIM 203300.

Allele frequency attached by ClinVar (database versions not stated): gnomAD exomes 0.00001; gnomAD 0.00002; TOPMed 0.00005.
gnomAD v4.1: 11 of 1,550,884 alleles (0.00071%); highest among the groups gnomAD compares: Admixed American, 0.0059%; no homozygotes.

Submissions (4):

Fulgent Genetics
Classification: Uncertain significance for Hermansky-Pudlak syndrome 1. Last evaluated: 2024-05-21. Review status: criteria provided, single submitter. Criteria: ACMG Guidelines, 2015. Collection method: clinical testing. Allele origin: germline.

Ambry Genetics
Classification: Uncertain significance for Inborn genetic diseases. Last evaluated: 2024-01-12. Review status: criteria provided, single submitter. Criteria: Ambry Variant Classification Scheme 2023. Collection method: clinical testing. Allele origin: germline.

Labcorp Genetics (formerly Invitae), Labcorp
Classification: Uncertain significance. Last evaluated: 2022-02-08. Review status: criteria provided, single submitter. Criteria: Invitae Variant Classification Sherloc (09022015). Collection method: clinical testing. Allele origin: germline.
Comment: This sequence change replaces serine, which is neutral and polar, with glycine, which is neutral and non-polar, at codon 314 of the HPS1 protein (p.Ser314Gly). This variant is present in population databases (no rsID available, gnomAD 0.004%). This variant has not been reported in the literature in individuals affected with HPS1-related conditions. ClinVar contains an entry for this variant (Variation ID: 1010049). Algorithms developed to predict the effect of missense changes on protein structure and function are either unavailable or do not agree on the potential impact of this missense change (SIFT: "Tolerated"; PolyPhen-2: "Possibly Damaging"; Align-GVGD: "Class C0"). In summary, the available evidence is currently insufficient to determine the role of this variant in disease. Therefore, it has been classified as a Variant of Uncertain Significance.

Natera, Inc.
Classification: Uncertain significance for Hermansky-Pudlak syndrome. Last evaluated: 2020-02-26. Review status: no assertion criteria provided. Collection method: clinical testing. Allele origin: germline. Not counted in ClinVar's aggregate classification.

NM_000195.5(HPS1):c.940A>G (p.Ser314Gly)

Gene: HPS1 (HPS1 biogenesis of lysosomal organelles complex 3 subunit 1; minus strand). Cytogenetic location: 10q24.2.
Variant type: single nucleotide variant.
Coding change: c.940A>G on transcript NM_000195.5 (MANE Select); coding-DNA position 940, A replaced by G.
Protein change: p.Ser314Gly; replaces serine 314 with glycine.
Molecular consequence: missense variant. On other transcripts: 5 prime UTR variant (3).
Genome position (GRCh38, 1-based): chr10:98,427,262, T>C on the plus strand (A>G on the coding strand, the complement: HPS1 is on the minus strand). VCF-style: chr10-98427262-T-C. GRCh37 (hg19) VCF-style: chr10-100187019-T-C.
Other names: c.-33A>G (NM_001311345.2, NM_001322487.2, NM_001322489.2); c.940A>G, p.Ser314Gly (NM_001322476.2, NM_001322477.2); c.841A>G, p.Ser281Gly (NM_001322478.2, NM_001322479.2); c.679A>G, p.Ser227Gly (NM_001322480.2, NM_001322481.2); c.580A>G, p.Ser194Gly (NM_001322482.2); c.571A>G, p.Ser191Gly (NM_001322483.2, NM_001322484.2); c.472A>G, p.Ser158Gly (NM_001322485.2); c.940A>G (NM_000195.3); short protein forms S158G, S191G, S194G, S227G, S281G, S314G.
Identifiers: ClinVar variation 1010049 (VCV001010049.6), dbSNP rs979661361, ClinGen allele CA212764771.